The following is an entry in ClinVar:

NM_001035.3(RYR2):c.2002G>A (p.Ala668Thr)

Gene: RYR2 (ryanodine receptor 2; plus strand). Cytogenetic location: 1q43.
Variant type: single nucleotide variant.
Coding change: c.2002G>A on transcript NM_001035.3 (MANE Select); coding-DNA position 2002, G replaced by A.
Protein change: p.Ala668Thr; replaces alanine 668 with threonine.
Molecular consequence: missense variant.
Genome position (GRCh38, 1-based): chr1:237,496,551, G>A. VCF-style: chr1-237496551-G-A. GRCh37 (hg19) VCF-style: chr1-237659851-G-A.
Other names: short protein forms A668T.
Identifiers: ClinVar variation 4768496 (VCV004768496.1).

ClinVar aggregate classification (germline): Uncertain significance (1 of 4 stars; one submission).

Conditions:
Catecholaminergic polymorphic ventricular tachycardia 1. Also called: RYR2-Related Catecholaminergic Polymorphic Ventricular Tachycardia; VENTRICULAR TACHYCARDIA, STRESS-INDUCED POLYMORPHIC 1; VENTRICULAR TACHYCARDIA, CATECHOLAMINERGIC POLYMORPHIC, 1, WITH OR WITHOUT ATRIAL DYSFUNCTION AND/OR DILATED CARDIOMYOPATHY. Identifiers: Orphanet 3286, MedGen C1631597, MONDO:0011484, OMIM 604772.

Submission:

Labcorp Genetics (formerly Invitae), Labcorp
Classification: Uncertain significance for Catecholaminergic polymorphic ventricular tachycardia 1. Last evaluated: 2025-11-24. Review status: criteria provided, single submitter. Criteria: Invitae Variant Classification Sherloc (09022015). Collection method: clinical testing. Allele origin: germline.
Comment: This sequence change replaces alanine, which is neutral and non-polar, with threonine, which is neutral and polar, at codon 668 of the RYR2 protein (p.Ala668Thr). This variant is not present in population databases (gnomAD no frequency). This variant has not been reported in the literature in individuals affected with RYR2-related conditions. Invitae Evidence Modeling of protein sequence and biophysical properties (such as structural, functional, and spatial information, amino acid conservation, physicochemical variation, residue mobility, and thermodynamic stability) indicates that this missense variant is not expected to disrupt RYR2 protein function with a negative predictive value of 95%. In summary, the available evidence is currently insufficient to determine the role of this variant in disease. Therefore, it has been classified as a Variant of Uncertain Significance.